The following is an entry in ClinVar:

ClinVar aggregate classification (germline): Uncertain significance (1 of 4 stars; one submission).

Submission:

Labcorp Genetics (formerly Invitae), Labcorp
Classification: Uncertain significance. Last evaluated: 2024-07-30. Review status: criteria provided, single submitter. Criteria: Invitae Variant Classification Sherloc (09022015). Collection method: clinical testing. Allele origin: germline.
Comment: This sequence change replaces arginine, which is basic and polar, with lysine, which is basic and polar, at codon 60 of the ITGAM protein (p.Arg60Lys). This variant is not present in population databases (gnomAD no frequency). This variant has not been reported in the literature in individuals affected with ITGAM-related conditions. An algorithm developed to predict the effect of missense changes on protein structure and function (PolyPhen-2) suggests that this variant is likely to be tolerated. In summary, the available evidence is currently insufficient to determine the role of this variant in disease. Therefore, it has been classified as a Variant of Uncertain Significance.

NM_000632.4(ITGAM):c.179G>A (p.Arg60Lys)

Genes: ITGAM (integrin subunit alpha M; plus strand), LOC126862331 (P300/CBP strongly-dependent group 1 enhancer GRCh37_chr16:31276375-31277574; plus strand). Cytogenetic location: 16p11.2.
Variant type: single nucleotide variant.
Coding change: c.179G>A on transcript NM_000632.4 (MANE Select); coding-DNA position 179, G replaced by A.
Protein change: p.Arg60Lys; replaces arginine 60 with lysine.
Molecular consequence: missense variant.
Genome position (GRCh38, 1-based): chr16:31,265,439, G>A. VCF-style: chr16-31265439-G-A. GRCh37 (hg19) VCF-style: chr16-31276760-G-A.
Other names: c.179G>A, p.Arg60Lys (NM_001145808.2); short protein forms R60K.
Identifiers: ClinVar variation 3660831 (VCV003660831.2).